The following is an entry in ClinVar:

NM_001723.7(DST):c.3938A>G (p.Gln1313Arg)

Gene: DST (dystonin; minus strand). Cytogenetic location: 6p12.1.
Variant type: single nucleotide variant.
Coding change: c.3938A>G on transcript NM_001723.7 (MANE Plus Clinical); coding-DNA position 3938, A replaced by G.
Protein change: p.Gln1313Arg; replaces glutamine 1313 with arginine.
Molecular consequence: missense variant. On other transcripts: intron variant (10).
Genome position (GRCh38, 1-based): chr6:56,620,096, T>C on the plus strand (A>G on the coding strand, the complement: DST is on the minus strand). VCF-style: chr6-56620096-T-C. GRCh37 (hg19) VCF-style: chr6-56484894-T-C.
Other names: c.4830+4434A>G (NM_001144769.5); c.4929+4434A>G (NM_001374722.1, NM_001374736.1); c.4956+4434A>G (NM_001374734.1); c.4416+4434A>G (NM_001144770.2); c.4296+4434A>G (NM_001374730.1, NM_001386100.1, NM_183380.4 and 1 more transcripts); c.3318+4434A>G (NM_015548.5); short protein forms Q1313R.
Identifiers: ClinVar variation 541446 (VCV000541446.7), dbSNP rs201459657, ClinGen allele CA3870629.

ClinVar aggregate classification (germline): Uncertain significance (1 of 4 stars; one submission).

Conditions:
Hereditary sensory and autonomic neuropathy type 6. Also called: HSAN VI; Neuropathy, hereditary sensory and autonomic, type VI. Identifiers: Orphanet 314381, MedGen C3539003, MONDO:0013839, OMIM 614653.
Epidermolysis bullosa simplex 3, localized or generalized intermediate, with BP230 deficiency (EBS3). Also called: Epidermolysis bullosa simplex, autosomal recessive 2; Epidermolysis bullosa simplex due to BP230 deficiency. Identifiers: Orphanet 412181, MedGen C3809470, MONDO:0014180, OMIM 615425.

Allele frequency attached by ClinVar (database versions not stated): gnomAD 0.00001; gnomAD exomes 0.00003; TOPMed 0.00005; ESP Exome Variant Server 0.00008.

Submission:

Labcorp Genetics (formerly Invitae), Labcorp
Classification: Uncertain significance for Epidermolysis bullosa simplex 3, localized or generalized intermediate, with BP230 deficiency; Hereditary sensory and autonomic neuropathy type 6. Last evaluated: 2022-07-21. Review status: criteria provided, single submitter. Criteria: Invitae Variant Classification Sherloc (09022015). Collection method: clinical testing. Allele origin: germline.
Comment: This sequence change replaces glutamine, which is neutral and polar, with arginine, which is basic and polar, at codon 1313 of the DST protein (p.Gln1313Arg). This variant is present in population databases (rs201459657, gnomAD 0.1%). This variant has not been reported in the literature in individuals affected with DST-related conditions. ClinVar contains an entry for this variant (Variation ID: 541446). Algorithms developed to predict the effect of missense changes on protein structure and function are either unavailable or do not agree on the potential impact of this missense change (SIFT: "Deleterious"; PolyPhen-2: "Benign"; Align-GVGD: "Class C0"). In summary, the available evidence is currently insufficient to determine the role of this variant in disease. Therefore, it has been classified as a Variant of Uncertain Significance.